The following is an entry in ClinVar:

ClinVar aggregate classification (germline): Pathogenic (1 of 4 stars; one submission).

Conditions:
Familial adenomatous polyposis 1 (FAP1). Also called: POLYPOSIS, ADENOMATOUS INTESTINAL; FAMILIAL ADENOMATOUS POLYPOSIS 1, ATTENUATED. Identifiers: MedGen C2713442, MONDO:0021056, OMIM 175100. Disease mechanism: loss of function.

Submission:

Myriad Genetics, Inc.
Classification: Pathogenic for Familial adenomatous polyposis 1. Last evaluated: 2023-05-10. Review status: criteria provided, single submitter. Criteria: Myriad Autosomal Dominant, Autosomal Recessive and X-Linked Classification Criteria (2023). Collection method: clinical testing. Allele origin: unknown.
Comment: This variant is considered pathogenic. This variant creates a frameshift predicted to result in premature protein truncation.

NM_000038.6(APC):c.4408_4457del (p.Ala1470fs)

Gene: APC (APC regulator of Wnt signaling pathway; plus strand). Cytogenetic location: 5q22.2.
Variant type: Deletion.
Coding change: c.4408_4457del on transcript NM_000038.6 (MANE Select); coding-DNA positions 4408 to 4457, 50 bases deleted.
Protein change: p.Ala1470fs; shifts the reading frame from alanine 1470.
Molecular consequence: frameshift variant. On other transcripts: non-coding transcript variant (2).
Genome position (GRCh38, 1-based): chr5:112,840,002-112,840,051, 50 bases deleted; deleting any 50 consecutive bases within chr5:112,840,001-112,840,051 gives the same sequence; the c. name uses the placement nearest the transcript's 3' end. GRCh37 (hg19): chr5:112,175,699-112,175,748.
Other names: c.4408_4457del, p.Ala1470fs (NM_001127510.3, NM_001354895.2, NM_001407450.1); c.4354_4403del, p.Ala1452fs (NM_001127511.3); c.4462_4511del, p.Ala1488fs (NM_001354896.2, NM_001407447.1, NM_001407448.1 and 1 more transcripts); c.4438_4487del, p.Ala1480fs (NM_001354897.2); c.4333_4382del, p.Ala1445fs (NM_001354898.2); c.4324_4373del, p.Ala1442fs (NM_001354899.2); c.4285_4334del, p.Ala1429fs (NM_001354900.2); c.4231_4280del, p.Ala1411fs (NM_001354901.2, NM_001407453.1); and 11 more; short protein forms A1086fs, A1187fs, A1310fs, A1341fs, A1344fs, A1369fs, A1379fs, A1387fs.
Identifiers: ClinVar variation 2583419 (VCV002583419.2), dbSNP rs2533572850, ClinGen allele CA2582341295.